The following is an entry in ClinVar:

ClinVar aggregate classification (germline): Pathogenic (1 of 4 stars; one submission).

Conditions:
Familial adenomatous polyposis 4 (FAP4). Also called: MSH3-related attenuated familial adenomatous polyposis. Identifiers: Orphanet 480536, MedGen C4310719, MONDO:0044300, OMIM 617100.

Submission:

Myriad Genetics, Inc.
Classification: Pathogenic for Familial adenomatous polyposis 4. Last evaluated: 2023-08-31. Review status: criteria provided, single submitter. Criteria: Myriad Autosomal Dominant, Autosomal Recessive and X-Linked Classification Criteria (2023). Collection method: clinical testing. Allele origin: unknown.
Comment: This variant is considered pathogenic. This variant creates a frameshift predicted to result in premature protein truncation.

NM_002439.5(MSH3):c.2962del (p.Ala988fs)

Gene: MSH3 (mutS homolog 3; plus strand). Cytogenetic location: 5q14.1.
Variant type: Deletion.
Coding change: c.2962del on transcript NM_002439.5 (MANE Select); coding-DNA position 2962, one base deleted (G; older notation c.2962delG).
Protein change: p.Ala988fs; shifts the reading frame from alanine 988.
Molecular consequence: frameshift variant.
Genome position (GRCh38, 1-based): chr5:80,854,278, G deleted. VCF-style (leftmost placement, unchanged base first): chr5-80854277-TG-T. GRCh37 (hg19) VCF-style: chr5-80150096-TG-T.
Other names: short protein forms A988fs.
Identifiers: ClinVar variation 2673536 (VCV002673536.1), dbSNP rs2478771943, ClinGen allele CA2695198706.